The following is an entry in ClinVar:

NM_007186.6(CEP250):c.7102AAGCAG[3] (p.2368KQ[3])

Gene: CEP250 (centrosomal protein 250; plus strand). Cytogenetic location: 20q11.22.
Variant type: Microsatellite.
Coding change: c.7102AAGCAG[3] on transcript NM_007186.6 (MANE Select); three copies in a row of the 6-base unit AAGCAG starting at c.7102; the reference has two copies in a row; one copy, 6 bases duplicated.
Protein change: p.2368KQ[3].
Molecular consequence: inframe insertion.
Genome position (GRCh38, 1-based): chr20:35,511,405-35,511,410, AAGCAG duplicated; duplicating any 6 consecutive bases within chr20:35,511,398-35,511,410 gives the same sequence; the position shown is the placement nearest the transcript's 3' end. VCF-style (leftmost placement, unchanged base first): chr20-35511397-G-GGAAGCA. GRCh37 (hg19) VCF-style: chr20-34099226-G-GGAAGCA.
Other names: c.5206AAGCAG[3], p.1736KQ[3] (NM_001318219.1).
Identifiers: ClinVar variation 1486191 (VCV001486191.6), dbSNP rs2147239155, ClinGen allele CA2580615014.
Genomic context (GRCh38, chr20:35,511,397, plus strand): 5'-TTTTTTTTTTTTTTCCTGCCCACCAGGTGGTCCTGCTGCAAGCTCAGCTGACTTTGGAGC[G>GGAAGCA]GAAGCAGAAGCAGGACTACATCACCCGCTCAGCACAGACCAGCCGTGAGCTAGCAGGCCT-3'

ClinVar aggregate classification (germline): Uncertain significance (1 of 4 stars; one submission).

Submission:

Labcorp Genetics (formerly Invitae), Labcorp
Classification: Uncertain significance. Last evaluated: 2022-06-20. Review status: criteria provided, single submitter. Criteria: Invitae Variant Classification Sherloc (09022015). Collection method: clinical testing. Allele origin: germline.
Comment: In summary, the available evidence is currently insufficient to determine the role of this variant in disease. Therefore, it has been classified as a Variant of Uncertain Significance. Experimental studies and prediction algorithms are not available or were not evaluated, and the functional significance of this variant is currently unknown. This variant has not been reported in the literature in individuals affected with CEP250-related conditions. This variant is not present in population databases (gnomAD no frequency). This variant, c.7108_7113dup, results in the insertion of 2 amino acid(s) of the CEP250 protein (p.Lys2370_Gln2371dup), but otherwise preserves the integrity of the reading frame.